The following continues an entry in ClinVar:

NM_004046.6(ATP5F1A):c.94G>T (p.Ala32Ser)

Gene: ATP5F1A. ClinVar aggregate classification (germline): Benign. Benign (3).

Submissions 31 to 48 of 48:

Dr. Peter K. Rogan Lab, Western University
No classification provided (evidence only). Condition: Uterine corpus endometrial carcinoma. Review status: no classification provided. Collection method: in vitro. Allele origin: not applicable. Functional consequence: retained intron. Not counted in ClinVar's aggregate classification.

Dr. Peter K. Rogan Lab, Western University
No classification provided (evidence only). Condition: Uterine corpus endometrial carcinoma. Review status: no classification provided. Collection method: in vitro. Allele origin: not applicable. Functional consequence: retained intron. Not counted in ClinVar's aggregate classification.

Dr. Peter K. Rogan Lab, Western University
No classification provided (evidence only). Condition: Uterine corpus endometrial carcinoma. Review status: no classification provided. Collection method: in vitro. Allele origin: not applicable. Functional consequence: skipped exon, retained intron. Not counted in ClinVar's aggregate classification.

Dr. Peter K. Rogan Lab, Western University
No classification provided (evidence only). Condition: Cervical cancer. Review status: no classification provided. Collection method: in vitro. Allele origin: not applicable. Functional consequence: retained intron. Not counted in ClinVar's aggregate classification.

Dr. Peter K. Rogan Lab, Western University
No classification provided (evidence only). Condition: Cervical cancer. Review status: no classification provided. Collection method: in vitro. Allele origin: not applicable. Functional consequence: retained intron. Not counted in ClinVar's aggregate classification.

Dr. Peter K. Rogan Lab, Western University
No classification provided (evidence only). Condition: Cervical cancer. Review status: no classification provided. Collection method: in vitro. Allele origin: not applicable. Functional consequence: retained intron. Not counted in ClinVar's aggregate classification.

Dr. Peter K. Rogan Lab, Western University
No classification provided (evidence only). Condition: Sarcoma. Review status: no classification provided. Collection method: in vitro. Allele origin: not applicable. Functional consequence: retained intron. Not counted in ClinVar's aggregate classification.

Dr. Peter K. Rogan Lab, Western University
No classification provided (evidence only). Condition: Sarcoma. Review status: no classification provided. Collection method: in vitro. Allele origin: not applicable. Functional consequence: retained intron. Not counted in ClinVar's aggregate classification.

Dr. Peter K. Rogan Lab, Western University
No classification provided (evidence only). Condition: Malignant lymphoma, large B-cell, diffuse. Review status: no classification provided. Collection method: in vitro. Allele origin: not applicable. Functional consequence: retained intron. Not counted in ClinVar's aggregate classification.

Dr. Peter K. Rogan Lab, Western University
No classification provided (evidence only). Condition: Nonpapillary renal cell carcinoma. Review status: no classification provided. Collection method: in vitro. Allele origin: not applicable. Functional consequence: retained intron. Not counted in ClinVar's aggregate classification.

Dr. Peter K. Rogan Lab, Western University
No classification provided (evidence only). Condition: Nonpapillary renal cell carcinoma. Review status: no classification provided. Collection method: in vitro. Allele origin: not applicable. Functional consequence: retained intron. Not counted in ClinVar's aggregate classification.

Dr. Peter K. Rogan Lab, Western University
No classification provided (evidence only). Condition: Thymoma. Review status: no classification provided. Collection method: in vitro. Allele origin: not applicable. Functional consequence: retained intron. Not counted in ClinVar's aggregate classification.

Dr. Peter K. Rogan Lab, Western University
No classification provided (evidence only). Condition: Thymoma. Review status: no classification provided. Collection method: in vitro. Allele origin: not applicable. Functional consequence: retained intron. Not counted in ClinVar's aggregate classification.

Dr. Peter K. Rogan Lab, Western University
No classification provided (evidence only). Condition: Gastric cancer. Review status: no classification provided. Collection method: in vitro. Allele origin: not applicable. Functional consequence: retained intron. Not counted in ClinVar's aggregate classification.

Dr. Peter K. Rogan Lab, Western University
No classification provided (evidence only). Condition: Gastric cancer. Review status: no classification provided. Collection method: in vitro. Allele origin: not applicable. Functional consequence: retained intron. Not counted in ClinVar's aggregate classification.

Dr. Peter K. Rogan Lab, Western University
No classification provided (evidence only). Condition: Uterine carcinosarcoma. Review status: no classification provided. Collection method: in vitro. Allele origin: not applicable. Functional consequence: skipped exon, retained intron. Not counted in ClinVar's aggregate classification.

Dr. Peter K. Rogan Lab, Western University
No classification provided (evidence only). Condition: Malignant tumor of esophagus. Review status: no classification provided. Collection method: in vitro. Allele origin: not applicable. Functional consequence: retained intron. Not counted in ClinVar's aggregate classification.

Dr. Peter K. Rogan Lab, Western University
No classification provided (evidence only). Condition: Malignant tumor of esophagus. Review status: no classification provided. Collection method: in vitro. Allele origin: not applicable. Functional consequence: retained intron. Not counted in ClinVar's aggregate classification.